The following is an entry in ClinVar:

NM_006929.5(SKIC2):c.598+1G>A

Gene: SKIC2 (SKI2 subunit of superkiller complex; plus strand). Cytogenetic location: 6p21.33.
Variant type: single nucleotide variant.
Coding change: c.598+1G>A on transcript NM_006929.5 (MANE Select); the canonical splice donor site of the intron after coding-DNA position 598, G replaced by A.
Molecular consequence: splice donor variant.
Genome position (GRCh38, 1-based): chr6:31,961,095, G>A. VCF-style: chr6-31961095-G-A. GRCh37 (hg19) VCF-style: chr6-31928872-G-A.
Identifiers: ClinVar variation 2826925 (VCV002826925.4), dbSNP rs1419680561, ClinGen allele CA363442144.

ClinVar aggregate classification (germline): Likely pathogenic (1 of 4 stars; one submission).

Allele frequency attached by ClinVar (database versions not stated): gnomAD exomes below 0.00001.
gnomAD v4.1: 1 of 1,613,244 alleles (0.000062%); highest among the groups gnomAD compares: Non-Finnish European, 0.000085%; no homozygotes.

Submissions (18):

Labcorp Genetics (formerly Invitae), Labcorp
Classification: Likely pathogenic. Last evaluated: 2023-01-07. Review status: criteria provided, single submitter. Criteria: Invitae Variant Classification Sherloc (09022015). Collection method: clinical testing. Allele origin: germline.
Comment: In summary, the currently available evidence indicates that the variant is pathogenic, but additional data are needed to prove that conclusively. Therefore, this variant has been classified as Likely Pathogenic. Algorithms developed to predict the effect of sequence changes on RNA splicing suggest that this variant may disrupt the consensus splice site. This variant has not been reported in the literature in individuals affected with SKIV2L-related conditions. This variant is not present in population databases (gnomAD no frequency). This sequence change affects a donor splice site in intron 7 of the SKIV2L gene. It is expected to disrupt RNA splicing. Variants that disrupt the donor or acceptor splice site typically lead to a loss of protein function (PMID: 16199547), and loss-of-function variants in SKIV2L are known to be pathogenic (PMID: 22444670).

Dr. Peter K. Rogan Lab, Western University
No classification provided (evidence only). Condition: Ovarian serous cystadenocarcinoma. Review status: no classification provided. Collection method: in vitro. Allele origin: not applicable. Functional consequence: retained intron. Not counted in ClinVar's aggregate classification.

Dr. Peter K. Rogan Lab, Western University
No classification provided (evidence only). Condition: Ovarian serous cystadenocarcinoma. Review status: no classification provided. Collection method: in vitro. Allele origin: not applicable. Functional consequence: retained intron. Not counted in ClinVar's aggregate classification.

Dr. Peter K. Rogan Lab, Western University
No classification provided (evidence only). Condition: Ovarian serous cystadenocarcinoma. Review status: no classification provided. Collection method: in vitro. Allele origin: not applicable. Functional consequence: retained intron. Not counted in ClinVar's aggregate classification.

Dr. Peter K. Rogan Lab, Western University
No classification provided (evidence only). Condition: Ovarian serous cystadenocarcinoma. Review status: no classification provided. Collection method: in vitro. Allele origin: not applicable. Functional consequence: retained intron. Not counted in ClinVar's aggregate classification.

Dr. Peter K. Rogan Lab, Western University
No classification provided (evidence only). Condition: Ovarian serous cystadenocarcinoma. Review status: no classification provided. Collection method: in vitro. Allele origin: not applicable. Functional consequence: retained intron. Not counted in ClinVar's aggregate classification.

Dr. Peter K. Rogan Lab, Western University
No classification provided (evidence only). Condition: Ovarian serous cystadenocarcinoma. Review status: no classification provided. Collection method: in vitro. Allele origin: not applicable. Functional consequence: retained intron. Not counted in ClinVar's aggregate classification.

Dr. Peter K. Rogan Lab, Western University
No classification provided (evidence only). Condition: Ovarian serous cystadenocarcinoma. Review status: no classification provided. Collection method: in vitro. Allele origin: not applicable. Functional consequence: retained intron. Not counted in ClinVar's aggregate classification.

Dr. Peter K. Rogan Lab, Western University
No classification provided (evidence only). Condition: Ovarian serous cystadenocarcinoma. Review status: no classification provided. Collection method: in vitro. Allele origin: not applicable. Functional consequence: retained intron. Not counted in ClinVar's aggregate classification.

Dr. Peter K. Rogan Lab, Western University
No classification provided (evidence only). Condition: Ovarian serous cystadenocarcinoma. Review status: no classification provided. Collection method: in vitro. Allele origin: not applicable. Functional consequence: retained intron. Not counted in ClinVar's aggregate classification.

Dr. Peter K. Rogan Lab, Western University
No classification provided (evidence only). Condition: Ovarian serous cystadenocarcinoma. Review status: no classification provided. Collection method: in vitro. Allele origin: not applicable. Functional consequence: retained intron. Not counted in ClinVar's aggregate classification.

Dr. Peter K. Rogan Lab, Western University
No classification provided (evidence only). Condition: Ovarian serous cystadenocarcinoma. Review status: no classification provided. Collection method: in vitro. Allele origin: not applicable. Functional consequence: retained intron. Not counted in ClinVar's aggregate classification.

Dr. Peter K. Rogan Lab, Western University
No classification provided (evidence only). Condition: Ovarian serous cystadenocarcinoma. Review status: no classification provided. Collection method: in vitro. Allele origin: not applicable. Functional consequence: retained intron. Not counted in ClinVar's aggregate classification.

Dr. Peter K. Rogan Lab, Western University
No classification provided (evidence only). Condition: Ovarian serous cystadenocarcinoma. Review status: no classification provided. Collection method: in vitro. Allele origin: not applicable. Functional consequence: retained intron. Not counted in ClinVar's aggregate classification.

Dr. Peter K. Rogan Lab, Western University
No classification provided (evidence only). Condition: Ovarian serous cystadenocarcinoma. Review status: no classification provided. Collection method: in vitro. Allele origin: not applicable. Functional consequence: retained intron. Not counted in ClinVar's aggregate classification.

Dr. Peter K. Rogan Lab, Western University
No classification provided (evidence only). Condition: Ovarian serous cystadenocarcinoma. Review status: no classification provided. Collection method: in vitro. Allele origin: not applicable. Functional consequence: retained intron. Not counted in ClinVar's aggregate classification.

Dr. Peter K. Rogan Lab, Western University
No classification provided (evidence only). Condition: Ovarian serous cystadenocarcinoma. Review status: no classification provided. Collection method: in vitro. Allele origin: not applicable. Functional consequence: retained intron. Not counted in ClinVar's aggregate classification.

Dr. Peter K. Rogan Lab, Western University
No classification provided (evidence only). Condition: Ovarian serous cystadenocarcinoma. Review status: no classification provided. Collection method: in vitro. Allele origin: not applicable. Functional consequence: retained intron. Not counted in ClinVar's aggregate classification.

Literature cited by the submitters: PubMed 16199547 (cited by Labcorp Genetics (formerly Invitae), Labcorp); PubMed 22444670 (cited by Labcorp Genetics (formerly Invitae), Labcorp).